The following is an entry in ClinVar:

ClinVar aggregate classification (germline): Likely benign. Review status: criteria provided, multiple submitters, no conflicts (2 of 4 stars). 3 submissions from 3 submitters: Likely benign (3). Last evaluated 2024-10-01.

Allele frequency attached by ClinVar (database versions not stated): ExAC 0.00001; gnomAD 0.00001; gnomAD exomes 0.00001.
gnomAD v4.1: 11 of 1,207,632 alleles (0.00091%); highest among the groups gnomAD compares: Admixed American, 0.0044%; no homozygotes.

Submissions (3):

CeGaT Center for Human Genetics Tuebingen
Classification: Likely benign. Last evaluated: 2024-10-01. Review status: criteria provided, single submitter. Criteria: CeGaT Center For Human Genetics Tuebingen Variant Classification Criteria Version 2. Collection method: clinical testing. Allele origin: germline. Affected: yes. Observed: 1 variant allele.
Comment: MBTPS2: BP4, BP7

Labcorp Genetics (formerly Invitae), Labcorp
Classification: Likely benign. Last evaluated: 2024-03-23. Review status: criteria provided, single submitter. Criteria: Invitae Variant Classification Sherloc (09022015). Collection method: clinical testing. Allele origin: germline.

Blueprint Genetics
Classification: Likely benign. Last evaluated: 2024-02-23. Review status: criteria provided, single submitter. Criteria: ACMG Guidelines, 2015. Collection method: clinical testing. Allele origin: germline.

NM_015884.4(MBTPS2):c.327T>C (p.Ser109=)

Gene: MBTPS2 (membrane bound transcription factor peptidase, site 2; plus strand). Cytogenetic location: Xp22.12.
Variant type: single nucleotide variant.
Coding change: c.327T>C on transcript NM_015884.4 (MANE Select); coding-DNA position 327, T replaced by C.
Protein change: p.Ser109=; no amino-acid change (serine 109 retained).
Molecular consequence: synonymous variant.
Genome position (GRCh38, 1-based): chrX:21,845,273, T>C. VCF-style: chrX-21845273-T-C. GRCh37 (hg19) VCF-style: chrX-21863391-T-C.
Identifiers: ClinVar variation 1900485 (VCV001900485.20), dbSNP rs750731000, ClinGen allele CA10367329.
Genomic context (GRCh38, chrX:21,845,273, plus strand): 5'-CTCATTTTTTCTCCTTGGAAAAACGCTGATGCAGACTTTGGCACAAATGATGGCTGACTC[T>C]CCCTCTTCTTATTCTTCCTCCTCTTCTTCCTCTTCCTCCTCTTCTTCCTCTTCCTCTTCT-3'
Protein context (NP_056968.1, residues 99-119): MQTLAQMMAD[Ser109=]PSSYSSSSSS